The following is an entry in ClinVar:

NM_024312.4(GNPTAB):c.[3388_3389insC;3392C>T]

Variant type: Haplotype.
Identifiers: ClinVar variation 39094 (VCV000039094.3).

ClinVar aggregate classification (germline): Pathogenic (0 of 4 stars; one submission).

Conditions:
Mucolipidosis type II. Also called: Mucolipidosis 2; ML 2; Inclusion cell disease; Leroy Disease; N-acetylglucosamine 1phosphotransferase deficiency; ML disorder type 2. Identifiers: Orphanet 576, MedGen C2673377, MONDO:0009650, OMIM 252500.

Submission:

GeneReviews
Classification: Pathogenic for Mucolipidosis II. Last evaluated: 2012-05-10. Review status: no assertion criteria provided. Collection method: curation. Allele origin: unknown.
ClinVar note: Converted during submission from pathologic to Pathogenic.